The following is an entry in ClinVar:

ClinVar aggregate classification (germline): Uncertain significance (1 of 4 stars; one submission).

Conditions:
Cardiovascular phenotype. Identifiers: MedGen CN230736.

gnomAD v4.1: 2 of 1,535,510 alleles (0.00013%); highest among the groups gnomAD compares: African/African-American, 0.0028%; no homozygotes.

Submission:

Ambry Genetics
Classification: Uncertain significance for Cardiovascular phenotype. Last evaluated: 2022-12-09. Review status: criteria provided, single submitter. Criteria: Ambry Variant Classification Scheme 2023. Collection method: clinical testing. Allele origin: germline.
Comment: The p.S1133C variant (also known as c.3398C>G), located in coding exon 2 of the ZNF469 gene, results from a C to G substitution at nucleotide position 3398. The serine at codon 1133 is replaced by cysteine, an amino acid with dissimilar properties. This amino acid position is conserved. In addition, this alteration is predicted to be tolerated by in silico analysis. Since supporting evidence is limited at this time, the clinical significance of this alteration remains unclear.

NM_001367624.2(ZNF469):c.3482C>G (p.Ser1161Cys)

Gene: ZNF469 (zinc finger protein 469; plus strand). Cytogenetic location: 16q24.2.
Variant type: single nucleotide variant.
Coding change: c.3482C>G on transcript NM_001367624.2 (MANE Select); coding-DNA position 3482, C replaced by G.
Protein change: p.Ser1161Cys; replaces serine 1161 with cysteine.
Molecular consequence: missense variant.
Genome position (GRCh38, 1-based): chr16:88,430,952, C>G. VCF-style: chr16-88430952-C-G. GRCh37 (hg19) VCF-style: chr16-88497360-C-G.
Other names: NM_001127464.1:c.3398C>G; short protein forms S1161C.
Identifiers: ClinVar variation 3232791 (VCV003232791.1), dbSNP rs903409672, ClinGen allele CA286374922.
Genomic context (GRCh38, chr16:88,430,952, plus strand): 5'-CGGCGAGGCAGGAAGCCGGCGGGGACGGAGCCCCCGCGAACCCCGAGGAGCCGGGCGGGT[C>G]TCGCCCGGGCCCCGGCAGGAGCCCTCAGGCCCGTGGCCCGTCTCGAAGCCTGGAGACGGG-3'
Protein context (NP_001354553.1, residues 1151-1171): APANPEEPGG[Ser1161Cys]RPGPGRSPQA